The following is an entry in ClinVar:

NM_001875.5(CPS1):c.4101G>A (p.Gln1367=)

Gene: CPS1 (carbamoyl-phosphate synthase 1; plus strand). Cytogenetic location: 2q34.
Variant type: single nucleotide variant.
Coding change: c.4101G>A on transcript NM_001875.5 (MANE Select); coding-DNA position 4101, G replaced by A.
Protein change: p.Gln1367=; no amino-acid change (glutamine 1367 retained).
Molecular consequence: synonymous variant. On other transcripts: non-coding transcript variant (2).
Genome position (GRCh38, 1-based): chr2:210,668,284, G>A. VCF-style: chr2-210668284-G-A. GRCh37 (hg19) VCF-style: chr2-211533008-G-A.
Other names: c.4101G>A, p.Gln1367= (NM_001122633.3, NM_001369257.1); c.4134G>A, p.Gln1378= (NM_001369256.1).
Identifiers: ClinVar variation 2094988 (VCV002094988.4), dbSNP rs2469357546, ClinGen allele CA431013313.

ClinVar aggregate classification (germline): Uncertain significance (1 of 4 stars; one submission).

Conditions:
Congenital hyperammonemia, type I. Also called: CPS I DEFICIENCY; Carbamoyl phosphate synthetase 1 deficiency; Hyperammonemia due to carbamoyl phosphate synthetase 1 deficiency; CPS 1 deficiency; Carbamyl phosphate synthetase (CPS) deficiency; Carbamoyl phosphate synthetase I deficiency disease. Identifiers: Orphanet 147, MedGen C4082171, MONDO:0009376, OMIM 237300.

Submission:

Labcorp Genetics (formerly Invitae), Labcorp
Classification: Uncertain significance for Congenital hyperammonemia, type I. Last evaluated: 2022-04-06. Review status: criteria provided, single submitter. Criteria: Invitae Variant Classification Sherloc (09022015). Collection method: clinical testing. Allele origin: germline.
Comment: Variants that disrupt the consensus splice site are a relatively common cause of aberrant splicing (PMID: 17576681, 9536098). Algorithms developed to predict the effect of sequence changes on RNA splicing suggest that this variant is not likely to affect RNA splicing. This variant has not been reported in the literature in individuals affected with CPS1-related conditions. This variant is not present in population databases (gnomAD no frequency). This sequence change affects codon 1367 of the CPS1 mRNA. It is a 'silent' change, meaning that it does not change the encoded amino acid sequence of the CPS1 protein. This variant also falls at the last nucleotide of exon 34, which is part of the consensus splice site for this exon. In summary, the available evidence is currently insufficient to determine the role of this variant in disease. Therefore, it has been classified as a Variant of Uncertain Significance.

Literature cited by the submitters: PubMed 17576681; PubMed 9536098.